The following is an entry in ClinVar:

NM_021067.5(GINS1):c.368C>G (p.Thr123Ser)

Gene: GINS1 (GINS complex subunit 1; plus strand). Cytogenetic location: 20p11.21.
Variant type: single nucleotide variant.
Coding change: c.368C>G on transcript NM_021067.5 (MANE Select); coding-DNA position 368, C replaced by G.
Protein change: p.Thr123Ser; replaces threonine 123 with serine.
Molecular consequence: missense variant. On other transcripts: non-coding transcript variant (1).
Genome position (GRCh38, 1-based): chr20:25,425,248, C>G. VCF-style: chr20-25425248-C-G. GRCh37 (hg19) VCF-style: chr20-25405884-C-G.
Other names: short protein forms T123S.
Identifiers: ClinVar variation 1393130 (VCV001393130.6), dbSNP rs2146206332, ClinGen allele CA408448816.

ClinVar aggregate classification (germline): Uncertain significance (1 of 4 stars; one submission).

Submission:

Labcorp Genetics (formerly Invitae), Labcorp
Classification: Uncertain significance. Last evaluated: 2022-08-23. Review status: criteria provided, single submitter. Criteria: Invitae Variant Classification Sherloc (09022015). Collection method: clinical testing. Allele origin: germline.
Comment: In summary, the available evidence is currently insufficient to determine the role of this variant in disease. Therefore, it has been classified as a Variant of Uncertain Significance. Algorithms developed to predict the effect of missense changes on protein structure and function are either unavailable or do not agree on the potential impact of this missense change (SIFT: "Not Available"; PolyPhen-2: "Benign"; Align-GVGD: "Not Available"). ClinVar contains an entry for this variant (Variation ID: 1393130). This variant has not been reported in the literature in individuals affected with GINS1-related conditions. This variant is not present in population databases (gnomAD no frequency). This sequence change replaces threonine, which is neutral and polar, with serine, which is neutral and polar, at codon 123 of the GINS1 protein (p.Thr123Ser).